The following is an entry in ClinVar:

ClinVar aggregate classification (germline): Likely benign. Review status: criteria provided, multiple submitters, no conflicts (2 of 4 stars). 2 submissions from 2 submitters: Likely benign (2). Last evaluated 2018-06-13.

Submissions (2):

GeneDx
Classification: Likely benign. Last evaluated: 2018-06-13. Review status: criteria provided, single submitter. Criteria: GeneDx Variant Classification (06012015). Collection method: clinical testing. Allele origin: germline. Affected: yes.
Comment: This variant is considered likely benign or benign based on one or more of the following criteria: it is a conservative change, it occurs at a poorly conserved position in the protein, it is predicted to be benign by multiple in silico algorithms, and/or has population frequency not consistent with disease.

Breakthrough Genomics
Classification: Likely benign. Review status: criteria provided, single submitter. Criteria: ACMG Guidelines, 2015. Collection method: not provided. Allele origin: germline. Inheritance: Unknown mechanism. Affected: yes.

NM_001080779.2(MYO1C):c.1716+22C>G

Gene: MYO1C (myosin IC; minus strand). Cytogenetic location: 17p13.3.
Variant type: single nucleotide variant.
Coding change: c.1716+22C>G on transcript NM_001080779.2 (MANE Select); 22 bases into the intron after coding-DNA position 1716, C replaced by G.
Molecular consequence: intron variant.
Genome position (GRCh38, 1-based): chr17:1,474,790, G>C on the plus strand (C>G on the coding strand, the complement: MYO1C is on the minus strand). VCF-style: chr17-1474790-G-C. GRCh37 (hg19) VCF-style: chr17-1378084-G-C.
Other names: c.1611+22C>G (NM_033375.5); c.1659+22C>G (NM_001080950.2); c.1644+22C>G (NM_001363855.1).
Identifiers: ClinVar variation 682964 (VCV000682964.2), dbSNP rs374746077, ClinGen allele CA497275525.
Genomic context (GRCh38, chr17:1,474,790, plus strand): 5'-CAGGCAGGACAGGCTCCTGGACACAGGTGCAGAGCTGTGGGCTATCCCCACCCCCACCCC[G>C]GCCTCCCCACGTCCTCCTCACCTCCTTAAGGTTCCGGAAGAGAAGGTCATTGTTTTTGTC-3'